The following is an entry in ClinVar:

ClinVar aggregate classification (germline): Uncertain significance (1 of 4 stars; one submission).

Conditions:
Baller-Gerold syndrome (BGS). Also called: CRANIOSYNOSTOSIS WITH RADIAL DEFECTS. Identifiers: Orphanet 1225, MedGen C0265308, MONDO:0009039, OMIM 218600.

Allele frequency attached by ClinVar (database versions not stated): gnomAD exomes below 0.00001.
gnomAD v4.1: 6 of 1,609,568 alleles (0.00037%); highest among the groups gnomAD compares: African/African-American, 0.0013%; no homozygotes.

Submission:

Labcorp Genetics (formerly Invitae), Labcorp
Classification: Uncertain significance for Baller-Gerold syndrome. Last evaluated: 2023-06-03. Review status: criteria provided, single submitter. Criteria: Invitae Variant Classification Sherloc (09022015). Collection method: clinical testing. Allele origin: germline.
Comment: This sequence change replaces alanine, which is neutral and non-polar, with threonine, which is neutral and polar, at codon 239 of the RECQL4 protein (p.Ala239Thr). This variant is not present in population databases (gnomAD no frequency). This variant has not been reported in the literature in individuals affected with RECQL4-related conditions. In summary, the available evidence is currently insufficient to determine the role of this variant in disease. Therefore, it has been classified as a Variant of Uncertain Significance. Experimental studies and prediction algorithms are not available or were not evaluated, and the functional significance of this variant is currently unknown. ClinVar contains an entry for this variant (Variation ID: 2416727).

NM_004260.4(RECQL4):c.715G>A (p.Ala239Thr)

Gene: RECQL4 (RecQ like helicase 4; minus strand). Cytogenetic location: 8q24.3.
Variant type: single nucleotide variant.
Coding change: c.715G>A on transcript NM_004260.4 (MANE Select); coding-DNA position 715, G replaced by A.
Protein change: p.Ala239Thr; replaces alanine 239 with threonine.
Molecular consequence: missense variant.
Genome position (GRCh38, 1-based): chr8:144,516,404, C>T on the plus strand (G>A on the coding strand, the complement: RECQL4 is on the minus strand). VCF-style: chr8-144516404-C-T. GRCh37 (hg19) VCF-style: chr8-145741788-C-T.
Other names: c.715G>A, p.Ala239Thr (NM_001413017.1, NM_001413018.1, NM_001413019.1 and 4 more transcripts); c.-357G>A (NM_001413021.1, NM_001413022.1, NM_001413023.1 and 7 more transcripts); c.586G>A, p.Ala196Thr (NM_001413025.1); c.-419G>A (NM_001413027.1, NM_001413030.1, NM_001413031.1 and 2 more transcripts); c.364G>A, p.Ala122Thr (NM_001413029.1); c.-261G>A (NM_001413034.1); c.-626G>A (NM_001413043.1); short protein forms A122T, A196T, A239T.
Identifiers: ClinVar variation 2416727 (VCV002416727.6), dbSNP rs1286829220, ClinGen allele CA372689552.